The following is an entry in ClinVar:

NM_031885.5(BBS2):c.1110T>C (p.Ala370=)

Gene: BBS2 (Bardet-Biedl syndrome 2; minus strand). Cytogenetic location: 16q13.
Variant type: single nucleotide variant.
Coding change: c.1110T>C on transcript NM_031885.5 (MANE Select); coding-DNA position 1110, T replaced by C.
Protein change: p.Ala370=; no amino-acid change (alanine 370 retained).
Molecular consequence: synonymous variant. On other transcripts: non-coding transcript variant (5).
Genome position (GRCh38, 1-based): chr16:56,501,468, A>G on the plus strand (T>C on the coding strand, the complement: BBS2 is on the minus strand). VCF-style: chr16-56501468-A-G. GRCh37 (hg19) VCF-style: chr16-56535380-A-G.
Other names: c.1110T>C, p.Ala370= (NM_001377456.1).
Identifiers: ClinVar variation 166731 (VCV000166731.54), dbSNP rs148990271, ClinGen allele CA179787.

ClinVar aggregate classification (germline): Benign/Likely benign. Review status: criteria provided, multiple submitters, no conflicts (2 of 4 stars). 9 submissions from 9 submitters: Benign (6); Likely benign (1). 2 of the submissions do not count toward it. Last evaluated 2026-01-28.

Conditions:
Bardet-Biedl syndrome 2 (BBS2). Identifiers: Orphanet 110, MedGen C2936863, MONDO:0014432, OMIM 615981.
Retinitis pigmentosa 74 (RP74). Identifiers: Orphanet 791, MedGen C4225281, MONDO:0014692, OMIM 616562.
Bardet-Biedl syndrome (BBS). Identifiers: Orphanet 110, MedGen C0752166, MONDO:0015229.

Allele frequency attached by ClinVar (database versions not stated): gnomAD exomes 0.00038 and 0.00098; ExAC 0.00114; gnomAD 0.00367 and 0.00389; 1000 Genomes Project 30x 0.00390; 1000 Genomes Project 0.00399; TOPMed 0.00418; ESP Exome Variant Server 0.00423.
gnomAD v4.1: 1,165 of 1,614,172 alleles (0.072%); highest among the groups gnomAD compares: African/African-American, 1.3%; 7 homozygotes.

Submissions (9):

Labcorp Genetics (formerly Invitae), Labcorp
Classification: Benign for Bardet-Biedl syndrome. Last evaluated: 2026-01-28. Review status: criteria provided, single submitter. Criteria: Invitae Variant Classification Sherloc (09022015). Collection method: clinical testing. Allele origin: germline.

CeGaT Center for Human Genetics Tuebingen
Classification: Benign. Last evaluated: 2022-05-01. Review status: criteria provided, single submitter. Criteria: CeGaT Center For Human Genetics Tuebingen Variant Classification Criteria Version 2. Collection method: clinical testing. Allele origin: germline. Affected: yes. Observed: 1 variant allele.
Comment: BBS2: BP4, BP7, BS1, BS2

Genetic Services Laboratory, University of Chicago
Classification: Benign. Last evaluated: 2021-11-29. Review status: criteria provided, single submitter. Criteria: ACMG Guidelines, 2015. Collection method: clinical testing. Allele origin: germline. Affected: no.

Fulgent Genetics
Classification: Likely benign for Bardet-Biedl syndrome 2; Retinitis pigmentosa 74. Last evaluated: 2021-07-21. Review status: criteria provided, single submitter. Criteria: ACMG Guidelines, 2015. Collection method: clinical testing. Allele origin: unknown.

Women's Health and Genetics/Laboratory Corporation of America, LabCorp
Classification: Benign. Last evaluated: 2016-01-11. Review status: criteria provided, single submitter. Criteria: LabCorp Variant Classification Summary - May 2015. Collection method: clinical testing. Allele origin: germline.

Eurofins Ntd Llc (ga)
Classification: Benign. Last evaluated: 2014-04-29. Review status: criteria provided, single submitter. Criteria: EGL Classification Definitions 2015. Collection method: clinical testing. Allele origin: germline. Observed: 1 variant allele, 1 heterozygote.

Breakthrough Genomics
Classification: Benign. Review status: criteria provided, single submitter. Criteria: ACMG Guidelines, 2015. Collection method: not provided. Allele origin: germline. Inheritance: Autosomal recessive inheritance. Affected: yes.

Clinical Genetics DNA and cytogenetics Diagnostics Lab, Erasmus MC, Erasmus Medical Center
Classification: Likely benign. Review status: no assertion criteria provided. Collection method: clinical testing. Allele origin: germline. Affected: yes. Study: VKGL Data-share Consensus. Not counted in ClinVar's aggregate classification.

Genome Diagnostics Laboratory, University Medical Center Utrecht
Classification: Likely benign. Review status: no assertion criteria provided. Collection method: clinical testing. Allele origin: germline. Affected: yes. Study: VKGL Data-share Consensus. Not counted in ClinVar's aggregate classification.